The following is an entry in ClinVar:

ClinVar aggregate classification (germline): Conflicting classifications of pathogenicity. Review status: criteria provided, conflicting classifications (1 of 4 stars). 9 submissions from 9 submitters: Uncertain significance (7); Likely benign (2). Last evaluated 2026-01-02.

Conditions:
Hereditary cancer-predisposing syndrome. Also called: Hereditary Cancer Syndrome; Neoplastic Syndromes, Hereditary; Tumor predisposition; Hereditary neoplastic syndrome. Identifiers: Orphanet 140162, MedGen C0027672, MeSH D009386, MONDO:0015356.
Breast-ovarian cancer, familial, susceptibility to, 2 (BROVCA2). Also called: BRCA2 Hereditary Breast and Ovarian Cancer. Identifiers: Orphanet 145, MedGen C2675520, MONDO:0012933, OMIM 612555. Disease mechanism: loss of function.
Hereditary breast ovarian cancer syndrome. Also called: Hereditary breast and/or ovarian cancer syndrome; BRCA1- and BRCA2-Associated Hereditary Breast and Ovarian Cancer; Hereditary breast and ovarian cancer syndrome (HBOC); Hereditary breast and ovarian cancer; Hereditary breast and ovarian cancer syndrome; Breast and ovarian cancer. Identifiers: Orphanet 145, MedGen C0677776, MeSH D061325, MONDO:0003582. Disease mechanism: loss of function.

Allele frequency attached by ClinVar (database versions not stated): gnomAD exomes below 0.00001 and 0.00001; gnomAD 0.00001 and 0.00002; TOPMed 0.00001; ExAC 0.00002.
gnomAD v4.1: 11 of 1,610,862 alleles (0.00068%); highest among the groups gnomAD compares: Non-Finnish European, 0.00085%; no homozygotes.

Submissions (9):

Labcorp Genetics (formerly Invitae), Labcorp
Classification: Uncertain significance for Hereditary breast ovarian cancer syndrome. Last evaluated: 2026-01-02. Review status: criteria provided, single submitter. Criteria: Invitae Variant Classification Sherloc (09022015). Collection method: clinical testing. Allele origin: germline.
Comment: This sequence change replaces alanine, which is neutral and non-polar, with valine, which is neutral and non-polar, at codon 1233 of the BRCA2 protein (p.Ala1233Val). This variant is present in population databases (rs745700206, gnomAD 0.0009%). This missense change has been observed in individual(s) with lung squamous cell carcinoma and breast cancer and pancreatic cancer (PMID: 21520333, 26689913, 28767289, 29309945). ClinVar contains an entry for this variant (Variation ID: 230195). Invitae Evidence Modeling of protein sequence and biophysical properties (such as structural, functional, and spatial information, amino acid conservation, physicochemical variation, residue mobility, and thermodynamic stability) indicates that this missense variant is not expected to disrupt BRCA2 protein function with a negative predictive value of 95%. In summary, the available evidence is currently insufficient to determine the role of this variant in disease. Therefore, it has been classified as a Variant of Uncertain Significance.

Women's Health and Genetics/Laboratory Corporation of America, LabCorp
Classification: Uncertain significance. Last evaluated: 2025-08-28. Review status: criteria provided, single submitter. Criteria: LabCorp Variant Classification Summary - May 2015. Collection method: clinical testing. Allele origin: germline.
Comment: Variant summary: BRCA2 c.3698C>T (p.Ala1233Val) results in a non-conservative amino acid change in the encoded protein sequence. Algorithms developed to predict the effect of missense changes on protein structure and function are either unavailable or do not agree on the potential impact of this missense change. The variant allele was found at a frequency of 4e-06 in 248704 control chromosomes. The available data on variant occurrences in the general population are insufficient to allow any conclusion about variant significance. c.3698C>T has been observed in individual(s) affected with pancreatic cancer (Blair_2018, Shindo_2017) and lung cancer (Lu_2015). These report(s) do not provide unequivocal conclusions about association of the variant with Hereditary Breast And Ovarian Cancer Syndrome. To our knowledge, no experimental evidence demonstrating an impact on protein function has been reported. The following publications have been ascertained in the context of this evaluation (PMID: 26689913, 28767289, 29309945). ClinVar contains an entry for this variant (Variation ID: 230195). Based on the evidence outlined above, the variant was classified as uncertain significance.

Ambry Genetics
Classification: Uncertain significance for Hereditary cancer-predisposing syndrome. Last evaluated: 2025-08-01. Review status: criteria provided, single submitter. Criteria: Ambry Variant Classification Scheme 2023. Collection method: clinical testing. Allele origin: germline.
Comment: The p.A1233V variant (also known as c.3698C>T), located in coding exon 10 of the BRCA2 gene, results from a C to T substitution at nucleotide position 3698. The alanine at codon 1233 is replaced by valine, an amino acid with similar properties. This alteration has been reported in at least one individual diagnosed with pancreatic ductal adenocarcinoma (Blair AB et al. J. Am. Coll. Surg., 2018 Apr;226:630-637.e1; Shindo K et al. J Clin Oncol, 2017 Oct;35:3382-3390). This amino acid position is well conserved in available vertebrate species. In addition, the in silico prediction for this alteration is inconclusive. Based on the available evidence, the clinical significance of this variant remains unclear.

ARUP Laboratories, Molecular Genetics and Genomics, ARUP Laboratories
Classification: Likely benign. Last evaluated: 2024-05-03. Review status: criteria provided, single submitter. Criteria: ARUP Molecular Germline Variant Investigation Process 2024. Collection method: clinical testing. Allele origin: germline.

Quest Diagnostics Nichols Institute San Juan Capistrano
Classification: Uncertain significance. Last evaluated: 2024-02-26. Review status: criteria provided, single submitter. Criteria: Quest Diagnostics criteria. Collection method: clinical testing. Allele origin: unknown.
Comment: The BRCA2 c.3698C>T (p.Ala1233Val) variant has been reported in the published literature in individuals with lung cancer (PMID: 26689913 (2015)) and pancreatic cancer (PMIDs: 32659497 (2020), 29309945 (2018), and 28767289 (2017)). This variant has also been described to be located in a region of the BRCA2 gene that is tolerant to missense sequence changes (PMID: 31911673 (2020)). The frequency of this variant in the general population, 0.000004 (1/248704 chromosomes (Genome Aggregation Database)), is uninformative in the assessment of its pathogenicity. Analysis of this variant using bioinformatics tools for the prediction of the effect of amino acid changes on protein structure and function yielded conflicting predictions that this variant is benign or damaging. Based on the available information, we are unable to determine the clinical significance of this variant.

All of Us Research Program, National Institutes of Health
Classification: Uncertain significance for Breast-ovarian cancer, familial, susceptibility to, 2. Last evaluated: 2023-10-27. Review status: criteria provided, single submitter. Criteria: ACMG Guidelines, 2015. Collection method: clinical testing. Allele origin: germline. Inheritance: Autosomal dominant inheritance. Observed: 2 variant alleles, 2 heterozygotes.
Comment: This missense variant replaces alanine with valine at codon 1233 of the BRCA2 protein. Computational prediction suggests that this variant may not impact protein structure and function (internally defined REVEL score threshold <= 0.5, PMID: 27666373). To our knowledge, functional studies have not been reported for this variant. This variant has been reported in 1 individual affected with pancreatic cancer (PMID: 28767289, 29309945). This variant has been identified in 1/248704 chromosomes in the general population by the Genome Aggregation Database (gnomAD). The available evidence is insufficient to determine the role of this variant in disease conclusively. Therefore, this variant is classified as a Variant of Uncertain Significance.

This study involves interpretation of variants in research participants for the purpose of population health screening. Participant phenotype was not available at the time of variant classification. Additional details can be found in publication PMID: 35346344, PMCID: PMC8962531

Color Diagnostics, LLC DBA Color Health
Classification: Uncertain significance for Hereditary cancer-predisposing syndrome. Last evaluated: 2023-09-06. Review status: criteria provided, single submitter. Criteria: ACMG Guidelines, 2015. Collection method: clinical testing. Allele origin: germline.
Comment: This missense variant replaces alanine with valine at codon 1233 of the BRCA2 protein. Computational prediction suggests that this variant may not impact protein structure and function (internally defined REVEL score threshold <= 0.5, PMID: 27666373). To our knowledge, functional studies have not been reported for this variant. This variant has been reported in 1 individual affected with pancreatic cancer (PMID: 28767289, 29309945). This variant has been identified in 1/248704 chromosomes in the general population by the Genome Aggregation Database (gnomAD). The available evidence is insufficient to determine the role of this variant in disease conclusively. Therefore, this variant is classified as a Variant of Uncertain Significance.

University of Washington Department of Laboratory Medicine, University of Washington
Classification: Likely benign for Hereditary cancer-predisposing syndrome. Last evaluated: 2023-03-23. Review status: criteria provided, single submitter. Criteria: Dines et al. (Genet Med. 2020). Collection method: curation. Allele origin: germline.
Comment: Missense variant in a coldspot region where missense variants are very unlikely to be pathogenic (PMID:31911673).

BRCA2 exon 11 coldspot. Reclassification based on statistical prior probability.

GeneDx
Classification: Uncertain significance. Last evaluated: 2018-05-03. Review status: criteria provided, single submitter. Criteria: GeneDx Variant Classification (06012015). Collection method: clinical testing. Allele origin: germline. Affected: yes.
Comment: This variant is denoted BRCA2 c.3698C>T at the cDNA level, p.Ala1233Val (A1233V) at the protein level, and results in the change of an Alanine to a Valine (GCT>GTT). Using alternate nomenclature, this variant would be defined as BRCA2 3926C>T. This variant has been reported in an individual with squamous cell carcinoma of the lung and an individual with pancreatic cancer (Lu 2015, Shindo 2017). BRCA2 Ala1233Val was not observed at a significant allele frequency in large population cohorts (Lek 2016). BRCA2 Ala1233Val is located in the BRC2 domain and the RAD51 binding domain (Cole 2011, Roy 2012). In silico analysis, which includes protein predictors and evolutionary conservation, supports a deleterious effect. Based on currently available evidence, it is unclear whether BRCA2 Ala1233Val is a pathogenic or benign variant. We consider it to be a variant of uncertain significance.

Literature cited by the submitters: PubMed 21520333 (cited by Labcorp Genetics (formerly Invitae), Labcorp); PubMed 26689913 (cited by 3 submitters); PubMed 28767289 (cited by 6 submitters); PubMed 29309945 (cited by 6 submitters); PubMed 32659497 (cited by Quest Diagnostics Nichols Institute San Juan Capistrano); PubMed 31911673 (cited by Quest Diagnostics Nichols Institute San Juan Capistrano).

NM_000059.4(BRCA2):c.3698C>T (p.Ala1233Val)

Gene: BRCA2 (BRCA2 DNA repair associated; plus strand). Cytogenetic location: 13q13.1.
Variant type: single nucleotide variant.
Coding change: c.3698C>T on transcript NM_000059.4 (MANE Select); coding-DNA position 3698, C replaced by T.
Protein change: p.Ala1233Val; replaces alanine 1233 with valine.
Molecular consequence: missense variant.
Genome position (GRCh38, 1-based): chr13:32,338,053, C>T. VCF-style: chr13-32338053-C-T. GRCh37 (hg19) VCF-style: chr13-32912190-C-T.
Other names: short protein forms A1233V.
Identifiers: ClinVar variation 230195 (VCV000230195.30), dbSNP rs745700206, ClinGen allele CA6940718.